The following is an entry in ClinVar:

ClinVar aggregate classification (germline): Uncertain significance (1 of 4 stars; one submission).

Allele frequency attached by ClinVar (database versions not stated): gnomAD 0.00001 and 0.00002; TOPMed 0.00002.
gnomAD v4.1: 2 of 1,551,802 alleles (0.00013%); highest among the groups gnomAD compares: African/African-American, 0.0027%; no homozygotes.

Submission:

Labcorp Genetics (formerly Invitae), Labcorp
Classification: Uncertain significance. Last evaluated: 2023-03-10. Review status: criteria provided, single submitter. Criteria: Invitae Variant Classification Sherloc (09022015). Collection method: clinical testing. Allele origin: germline.
Comment: In summary, the available evidence is currently insufficient to determine the role of this variant in disease. Therefore, it has been classified as a Variant of Uncertain Significance. Advanced modeling of protein sequence and biophysical properties (such as structural, functional, and spatial information, amino acid conservation, physicochemical variation, residue mobility, and thermodynamic stability) performed at Invitae indicates that this missense variant is not expected to disrupt TRAF3IP1 protein function. ClinVar contains an entry for this variant (Variation ID: 1052493). This variant has not been reported in the literature in individuals affected with TRAF3IP1-related conditions. This variant is not present in population databases (gnomAD no frequency). This sequence change replaces lysine, which is basic and polar, with glutamic acid, which is acidic and polar, at codon 199 of the TRAF3IP1 protein (p.Lys199Glu).

NM_015650.4(TRAF3IP1):c.595A>G (p.Lys199Glu)

Gene: TRAF3IP1 (TRAF3 interacting protein 1; plus strand). Cytogenetic location: 2q37.3.
Variant type: single nucleotide variant.
Coding change: c.595A>G on transcript NM_015650.4 (MANE Select); coding-DNA position 595, A replaced by G.
Protein change: p.Lys199Glu; replaces lysine 199 with glutamic acid.
Molecular consequence: missense variant.
Genome position (GRCh38, 1-based): chr2:238,329,022, A>G. VCF-style: chr2-238329022-A-G. GRCh37 (hg19) VCF-style: chr2-239237663-A-G.
Other names: c.595A>G, p.Lys199Glu (NM_001139490.1); short protein forms K199E.
Identifiers: ClinVar variation 1052493 (VCV001052493.9), dbSNP rs998455163, ClinGen allele CA67980014.